The following is an entry in ClinVar:

ClinVar aggregate classification (germline): Uncertain significance (1 of 4 stars; one submission).

Submission:

Labcorp Genetics (formerly Invitae), Labcorp
Classification: Uncertain significance. Last evaluated: 2024-10-01. Review status: criteria provided, single submitter. Criteria: Invitae Variant Classification Sherloc (09022015). Collection method: clinical testing. Allele origin: germline.
Comment: This sequence change replaces arginine, which is basic and polar, with proline, which is neutral and non-polar, at codon 1811 of the NSD1 protein (p.Arg1811Pro). This variant is not present in population databases (gnomAD no frequency). This variant has not been reported in the literature in individuals affected with NSD1-related conditions. Invitae Evidence Modeling of protein sequence and biophysical properties (such as structural, functional, and spatial information, amino acid conservation, physicochemical variation, residue mobility, and thermodynamic stability) indicates that this missense variant is expected to disrupt NSD1 protein function with a positive predictive value of 95%. In summary, the available evidence is currently insufficient to determine the role of this variant in disease. Therefore, it has been classified as a Variant of Uncertain Significance.

NM_022455.5(NSD1):c.5432G>C (p.Arg1811Pro)

Genes: NSD1 (nuclear receptor binding SET domain protein 1; plus strand), LOC126807619 (MED14-independent group 3 enhancer GRCh37_chr5:176696443-176697642; plus strand). Cytogenetic location: 5q35.3.
Variant type: single nucleotide variant.
Coding change: c.5432G>C on transcript NM_022455.5 (MANE Select); coding-DNA position 5432, G replaced by C.
Protein change: p.Arg1811Pro; replaces arginine 1811 with proline.
Molecular consequence: missense variant.
Genome position (GRCh38, 1-based): chr5:177,269,730, G>C. VCF-style: chr5-177269730-G-C. GRCh37 (hg19) VCF-style: chr5-176696731-G-C.
Other names: c.4559G>C, p.Arg1520Pro (NM_001365684.2, NM_001409308.1, NM_001409309.1 and 1 more transcripts); c.5432G>C, p.Arg1811Pro (NM_001409301.1, NM_001409302.1, NM_001409303.1); c.5012G>C, p.Arg1671Pro (NM_001409304.1); c.4679G>C, p.Arg1560Pro (NM_001409305.1); c.4670G>C, p.Arg1557Pro (NM_001409306.1, NM_001409307.1); short protein forms R1671P, R1520P, R1560P, R1811P, R1557P.
Identifiers: ClinVar variation 3692498 (VCV003692498.2).